The following is an entry in ClinVar:

NM_032229.3(SLITRK6):c.257G>A (p.Gly86Glu)

Gene: SLITRK6 (SLIT and NTRK like family member 6; minus strand). Cytogenetic location: 13q31.1.
Variant type: single nucleotide variant.
Coding change: c.257G>A on transcript NM_032229.3 (MANE Select); coding-DNA position 257, G replaced by A.
Protein change: p.Gly86Glu; replaces glycine 86 with glutamic acid.
Molecular consequence: missense variant.
Genome position (GRCh38, 1-based): chr13:85,796,252, C>T on the plus strand (G>A on the coding strand, the complement: SLITRK6 is on the minus strand). VCF-style: chr13-85796252-C-T. GRCh37 (hg19) VCF-style: chr13-86370387-C-T.
Other names: short protein forms G86E.
Identifiers: ClinVar variation 1693337 (VCV001693337.2), dbSNP rs112793438, ClinGen allele CA7015304.

ClinVar aggregate classification (germline): Uncertain significance (1 of 4 stars; one submission).

Allele frequency attached by ClinVar (database versions not stated): ExAC 0.00002; gnomAD 0.00006; TOPMed 0.00006; 1000 Genomes Project 30x 0.00031; 1000 Genomes Project 0.00040.

Submission:

GeneDx
Classification: Uncertain significance. Last evaluated: 2022-06-22. Review status: criteria provided, single submitter. Criteria: GeneDx Variant Classification Process June 2021. Collection method: clinical testing. Allele origin: germline. Affected: yes.
Comment: In silico analysis supports that this missense variant does not alter protein structure/function; Has not been previously published as pathogenic or benign to our knowledge